The following is an entry in ClinVar:

NM_007294.4(BRCA1):c.4397G>T (p.Ser1466Ile)

Gene: BRCA1 (BRCA1 DNA repair associated; minus strand). Cytogenetic location: 17q21.31.
Variant type: single nucleotide variant.
Coding change: c.4397G>T on transcript NM_007294.4 (MANE Select); coding-DNA position 4397, G replaced by T.
Protein change: p.Ser1466Ile; replaces serine 1466 with isoleucine.
Molecular consequence: missense variant. On other transcripts: non-coding transcript variant (1).
Genome position (GRCh38, 1-based): chr17:43,076,575, C>A on the plus strand (G>T on the coding strand, the complement: BRCA1 is on the minus strand). VCF-style: chr17-43076575-C-A. GRCh37 (hg19) VCF-style: chr17-41228592-C-A.
Other names: c.4253G>T, p.Ser1418Ile (NM_001407747.1, NM_001407748.1, NM_001407749.1 and 21 more transcripts); c.4250G>T, p.Ser1417Ile (NM_001407838.1, NM_001407839.1, NM_001407841.1 and 12 more transcripts); c.4394G>T, p.Ser1465Ile (NM_001407859.1, NM_001407860.1, NM_001407858.1 and 17 more transcripts); c.4391G>T, p.Ser1464Ile (NM_001407861.1, NM_001407627.1, NM_001407628.1 and 14 more transcripts); c.4397G>T, p.Ser1466Ile (NM_001407854.1, NM_001407593.1, NM_001407594.1 and 8 more transcripts); c.4196G>T, p.Ser1399Ile (NM_001407862.1); c.4271G>T, p.Ser1424Ile (NM_001407863.1, NM_001407670.1, NM_001407671.1 and 11 more transcripts); c.4184G>T, p.Ser1395Ile (NM_001407571.1, NM_001407894.1, NM_001407895.1 and 12 more transcripts); and 68 more; short protein forms S1419I, S362I, S1487I, S1466I, S1170I, S1297I, S1378I, S1396I.
Identifiers: ClinVar variation 1375849 (VCV001375849.7), dbSNP rs2154069294, ClinGen allele CA10592740.

ClinVar aggregate classification (germline): Uncertain significance (1 of 4 stars; one submission).

Conditions:
Hereditary breast ovarian cancer syndrome. Also called: Hereditary breast and ovarian cancer; Hereditary breast and/or ovarian cancer syndrome; Hereditary breast and ovarian cancer syndrome; Hereditary breast and ovarian cancer syndrome (HBOC); Breast and ovarian cancer; BRCA1- and BRCA2-Associated Hereditary Breast and Ovarian Cancer. Identifiers: Orphanet 145, MedGen C0677776, MeSH D061325, MONDO:0003582. Disease mechanism: loss of function.

Submission:

Labcorp Genetics (formerly Invitae), Labcorp
Classification: Uncertain significance for Hereditary breast ovarian cancer syndrome. Last evaluated: 2024-02-23. Review status: criteria provided, single submitter. Criteria: Invitae Variant Classification Sherloc (09022015). Collection method: clinical testing. Allele origin: germline.
Comment: This sequence change replaces serine, which is neutral and polar, with isoleucine, which is neutral and non-polar, at codon 1466 of the BRCA1 protein (p.Ser1466Ile). This variant is not present in population databases (gnomAD no frequency). This variant has not been reported in the literature in individuals affected with BRCA1-related conditions. ClinVar contains an entry for this variant (Variation ID: 1375849). Advanced modeling of protein sequence and biophysical properties (such as structural, functional, and spatial information, amino acid conservation, physicochemical variation, residue mobility, and thermodynamic stability) performed at Invitae indicates that this missense variant is not expected to disrupt BRCA1 protein function with a negative predictive value of 95%. In summary, the available evidence is currently insufficient to determine the role of this variant in disease. Therefore, it has been classified as a Variant of Uncertain Significance.